The following is an entry in ClinVar:

NM_015057.5(MYCBP2):c.945+10A>G

Gene: MYCBP2 (MYC binding protein 2; minus strand). Cytogenetic location: 13q22.3.
Variant type: single nucleotide variant.
Coding change: c.945+10A>G on transcript NM_015057.5 (MANE Select); 10 bases into the intron after coding-DNA position 945, A replaced by G.
Molecular consequence: intron variant.
Genome position (GRCh38, 1-based): chr13:77,273,462, T>C on the plus strand (A>G on the coding strand, the complement: MYCBP2 is on the minus strand). VCF-style: chr13-77273462-T-C. GRCh37 (hg19) VCF-style: chr13-77847597-T-C.
Identifiers: ClinVar variation 3058463 (VCV003058463.2), dbSNP rs142294005, ClinGen allele CA7010606.
Genomic context (GRCh38, chr13:77,273,462, plus strand): 5'-TGACAGAAATTGAGACGAAACTGTAACTTGTCATCTTATAAACTTCTAAGCAGATATAAA[T>C]ATGAAATACCTGAATAGTTTGGCAAGCATGGCTTCCATTGTTGGTGAGGATAGCAGAGAT-3'

ClinVar aggregate classification (germline): Likely benign (0 of 4 stars; one submission).

Conditions:
MYCBP2-related disorder. Also called: MYCBP2-related condition.

Allele frequency attached by ClinVar (database versions not stated): TOPMed 0.00007; gnomAD 0.00015; gnomAD exomes 0.00026; ExAC 0.00035; 1000 Genomes Project 30x 0.00047; 1000 Genomes Project 0.00060.
gnomAD v4.1: 381 of 1,560,778 alleles (0.024%); highest among the groups gnomAD compares: East Asian, 0.78%; 5 homozygotes.

Submission:

PreventionGenetics, part of Exact Sciences
Classification: Likely benign for MYCBP2-related condition. Last evaluated: 2019-02-20. Review status: no assertion criteria provided. Collection method: clinical testing. Allele origin: germline.
Comment: This variant is classified as likely benign based on ACMG/AMP sequence variant interpretation guidelines (Richards et al. 2015 PMID: 25741868, with internal and published modifications).